The following is an entry in ClinVar:

ClinVar aggregate classification (germline): Pathogenic. Review status: reviewed by expert panel (3 of 4 stars). 3 submissions from 3 submitters: Pathogenic (1). 2 of the submissions do not count toward it. Last evaluated 2016-10-18.

Conditions:
Hereditary cancer-predisposing syndrome. Also called: Tumor predisposition; Neoplastic Syndromes, Hereditary; Hereditary neoplastic syndrome; Hereditary Cancer Syndrome. Identifiers: Orphanet 140162, MedGen C0027672, MeSH D009386, MONDO:0015356.
Breast-ovarian cancer, familial, susceptibility to, 2 (BROVCA2). Also called: BRCA2 Hereditary Breast and Ovarian Cancer. Identifiers: Orphanet 145, MedGen C2675520, MONDO:0012933, OMIM 612555. Disease mechanism: loss of function.

Submissions (3):

Evidence-based Network for the Interpretation of Germline Mutant Alleles (ENIGMA)
Classification: Pathogenic for Breast-ovarian cancer, familial, susceptibility to, 2. Last evaluated: 2016-10-18. Review status: reviewed by expert panel. Criteria: ENIGMA BRCA1/2 Classification Criteria (2015). Collection method: curation. Allele origin: germline.
Comment: Variant allele predicted to encode a truncated non-functional protein.

Ambry Genetics
Classification: Pathogenic for Hereditary cancer-predisposing syndrome. Last evaluated: 2020-10-21. Review status: criteria provided, single submitter. Criteria: Ambry Variant Classification Scheme 2023. Collection method: clinical testing. Allele origin: germline. Not counted in ClinVar's aggregate classification.
Comment: The c.3263dupC pathogenic mutation, located in coding exon 10 of the BRCA2 gene, results from a duplication of C at nucleotide position 3263, causing a translational frameshift with a predicted alternate stop codon (p.Q1089Sfs*10). This mutation has been reported in a family from Spain that was at high risk for breast and/or ovarian cancer (Blay P et al. BMC Cancer. 2013 May;13:243). In addition to the clinical data presented in the literature, this alteration is expected to result in loss of function by premature protein truncation or nonsense-mediated mRNA decay. As such, this alteration is interpreted as a disease-causing mutation.

Molecular Oncology, Hospital Universitario Central de Asturias (HUCA)
Classification: Pathogenic for Breast-ovarian cancer, familial, susceptibility to, 2. Last evaluated: 2021-05-24. Review status: no assertion criteria provided. Collection method: case-control. Allele origin: germline. Affected: yes. Not counted in ClinVar's aggregate classification.

Literature cited by the submitters: PubMed 23683081 (cited by Ambry Genetics); PubMed 38922859 (cited by Molecular Oncology, Hospital Universitario Central de Asturias (HUCA)).

NM_000059.4(BRCA2):c.3263dup (p.Gln1089fs)

Gene: BRCA2 (BRCA2 DNA repair associated; plus strand). Cytogenetic location: 13q13.1.
Variant type: Duplication.
Coding change: c.3263dup on transcript NM_000059.4 (MANE Select); coding-DNA position 3263, one base duplicated (C; older notation c.3263dupC).
Protein change: p.Gln1089fs; shifts the reading frame from glutamine 1089.
Molecular consequence: frameshift variant.
Genome position (GRCh38, 1-based): chr13:32,337,618, C duplicated; the last of 4 consecutive C bases (chr13:32,337,615-32,337,618); duplicating any one gives the same sequence. VCF-style (leftmost placement, unchanged base first): chr13-32337614-A-AC. GRCh37 (hg19) VCF-style: chr13-32911751-A-AC.
Other names: 3491insC; c.3263dupC (NM_000059.3); short protein forms Q1089fs.
Identifiers: ClinVar variation 266743 (VCV000266743.8), dbSNP rs80359379, ClinGen allele CA10589195.